The following is an entry in ClinVar:

NM_006662.3(SRCAP):c.1993G>C (p.Gly665Arg)

Gene: SRCAP (Snf2 related CREBBP activator protein; plus strand). Cytogenetic location: 16p11.2.
Variant type: single nucleotide variant.
Coding change: c.1993G>C on transcript NM_006662.3 (MANE Select); coding-DNA position 1993, G replaced by C.
Protein change: p.Gly665Arg; replaces glycine 665 with arginine.
Molecular consequence: missense variant.
Genome position (GRCh38, 1-based): chr16:30,712,439, G>C. VCF-style: chr16-30712439-G-C. GRCh37 (hg19) VCF-style: chr16-30723760-G-C.
Other names: short protein forms G665R.
Identifiers: ClinVar variation 2215023 (VCV002215023.3), dbSNP rs771063414, ClinGen allele CA8011102.

ClinVar aggregate classification (germline): Uncertain significance. Review status: criteria provided, multiple submitters, no conflicts (2 of 4 stars). 2 submissions from 2 submitters: Uncertain significance (2). Last evaluated 2025-09-09.

Conditions:
Inborn genetic diseases. Identifiers: MedGen C0950123, MeSH D030342.

Allele frequency attached by ClinVar (database versions not stated): TOPMed 0.00001; ExAC 0.00003; gnomAD exomes 0.00005.
gnomAD v4.1: 69 of 1,567,928 alleles (0.0044%); highest among the groups gnomAD compares: Non-Finnish European, 0.006%; no homozygotes.

Submissions (2):

Labcorp Genetics (formerly Invitae), Labcorp
Classification: Uncertain significance. Last evaluated: 2025-09-09. Review status: criteria provided, single submitter. Criteria: Invitae Variant Classification Sherloc (09022015). Collection method: clinical testing. Allele origin: germline.
Comment: This sequence change replaces glycine, which is neutral and non-polar, with arginine, which is basic and polar, at codon 665 of the SRCAP protein (p.Gly665Arg). This variant is present in population databases (rs771063414, gnomAD 0.003%). This variant has not been reported in the literature in individuals affected with SRCAP-related conditions. ClinVar contains an entry for this variant (Variation ID: 2215023). Experimental studies and prediction algorithms are not available or were not evaluated, and the functional significance of this variant is currently unknown. In summary, the available evidence is currently insufficient to determine the role of this variant in disease. Therefore, it has been classified as a Variant of Uncertain Significance.

Ambry Genetics
Classification: Uncertain significance for Inborn genetic diseases. Last evaluated: 2020-11-18. Review status: criteria provided, single submitter. Criteria: Ambry Variant Classification Scheme 2023. Collection method: clinical testing. Allele origin: germline.
Comment: The c.1993G>C (p.G665R) alteration is located in exon 13 (coding exon 11) of the SRCAP gene. This alteration results from a G to C substitution at nucleotide position 1993, causing the glycine (G) at amino acid position 665 to be replaced by an arginine (R). Based on data from the Genome Aggregation Database (gnomAD) database, the SRCAP c.1993G>C alteration was observed in 0.0014% (3/210222) of total alleles studied, with a frequency of 0.0031% (3/97082) in the European (non-Finnish) subpopulation. This amino acid position is highly conserved in available vertebrate species. The in silico prediction for the p.G665R alteration is inconclusive. Based on insufficient or conflicting evidence, the clinical significance of this alteration remains unclear.